The following is an entry in ClinVar:

ClinVar aggregate classification (germline): Pathogenic (1 of 4 stars; one submission).

Submission:

Labcorp Genetics (formerly Invitae), Labcorp
Classification: Pathogenic. Last evaluated: 2025-01-15. Review status: criteria provided, single submitter. Criteria: Invitae Variant Classification Sherloc (09022015). Collection method: clinical testing. Allele origin: germline.
Comment: This sequence change creates a premature translational stop signal (p.Pro261Argfs*6) in the CDHR1 gene. It is expected to result in an absent or disrupted protein product. Loss-of-function variants in CDHR1 are known to be pathogenic (PMID: 23044944, 23591405, 26103963, 26261414). This variant is not present in population databases (gnomAD no frequency). This variant has not been reported in the literature in individuals affected with CDHR1-related conditions. ClinVar contains an entry for this variant (Variation ID: 838072). For these reasons, this variant has been classified as Pathogenic.

Literature cited by the submitters: PubMed 23044944; PubMed 23591405; PubMed 26103963; PubMed 26261414.

NM_033100.4(CDHR1):c.782del (p.Pro261fs)

Gene: CDHR1 (cadherin related family member 1; plus strand). Cytogenetic location: 10q23.1.
Variant type: Deletion.
Coding change: c.782del on transcript NM_033100.4 (MANE Select); coding-DNA position 782, one base deleted (C; older notation c.782delC).
Protein change: p.Pro261fs; shifts the reading frame from proline 261.
Molecular consequence: frameshift variant.
Genome position (GRCh38, 1-based): chr10:84,203,122, C deleted; the last of 2 consecutive C bases (chr10:84,203,121-84,203,122); deleting either gives the same sequence. VCF-style (leftmost placement, unchanged base first): chr10-84203120-TC-T. GRCh37 (hg19) VCF-style: chr10-85962876-TC-T.
Other names: c.782del, p.Pro261fs (NM_001171971.3); short protein forms P261fs.
Identifiers: ClinVar variation 838072 (VCV000838072.7), dbSNP rs1842160172, ClinGen allele CA916083152.